The following is an entry in ClinVar:

NM_000090.4(COL3A1):c.3771C>A (p.Asn1257Lys)

Gene: COL3A1 (collagen type III alpha 1 chain; plus strand). Cytogenetic location: 2q32.2.
Variant type: single nucleotide variant.
Coding change: c.3771C>A on transcript NM_000090.4 (MANE Select); coding-DNA position 3771, C replaced by A.
Protein change: p.Asn1257Lys; replaces asparagine 1257 with lysine.
Molecular consequence: missense variant.
Genome position (GRCh38, 1-based): chr2:189,009,169, C>A. VCF-style: chr2-189009169-C-A. GRCh37 (hg19) VCF-style: chr2-189873895-C-A.
Other names: short protein forms N1257K.
Identifiers: ClinVar variation 4737474 (VCV004737474.1).

ClinVar aggregate classification (germline): Uncertain significance (1 of 4 stars; one submission).

Conditions:
Ehlers-Danlos syndrome, type 4 (EDSVASC). Also called: Ehlers-Danlos syndrome vascular type; Ehlers Danlos syndrome, ecchymotic type; Ehlers Danlos syndrome, arterial type; Ehlers Danlos syndrome, Sack-Barabas type; Ehlers-Danlos Syndrome Type IV. Identifiers: Orphanet 286, MedGen C0268338, MONDO:0017314, OMIM 130050.

Submission:

Labcorp Genetics (formerly Invitae), Labcorp
Classification: Uncertain significance for Ehlers-Danlos syndrome, type 4. Last evaluated: 2025-12-06. Review status: criteria provided, single submitter. Criteria: Invitae Variant Classification Sherloc (09022015). Collection method: clinical testing. Allele origin: germline.
Comment: This sequence change replaces asparagine, which is neutral and polar, with lysine, which is basic and polar, at codon 1257 of the COL3A1 protein (p.Asn1257Lys). This variant is not present in population databases (gnomAD no frequency). This variant has not been reported in the literature in individuals affected with COL3A1-related conditions. Invitae Evidence Modeling of protein sequence and biophysical properties (such as structural, functional, and spatial information, amino acid conservation, physicochemical variation, residue mobility, and thermodynamic stability) indicates that this missense variant is not expected to disrupt COL3A1 protein function with a negative predictive value of 95%. In summary, the available evidence is currently insufficient to determine the role of this variant in disease. Therefore, it has been classified as a Variant of Uncertain Significance.